The following is an entry in ClinVar:

ClinVar aggregate classification (germline): Uncertain significance (1 of 4 stars; one submission).

Submission:

Women's Health and Genetics/Laboratory Corporation of America, LabCorp
Classification: Uncertain significance. Last evaluated: 2024-06-10. Review status: criteria provided, single submitter. Criteria: LabCorp Variant Classification Summary - May 2015. Collection method: clinical testing. Allele origin: germline.
Comment: Variant summary: GLI3 c.3949C>T (p.Pro1317Ser) results in a non-conservative amino acid change in the encoded protein sequence. Four of five in-silico tools predict a benign effect of the variant on protein function. The variant was absent in 250532 control chromosomes. The available data on variant occurrences in the general population are insufficient to allow any conclusion about variant significance. To our knowledge, no occurrence of c.3949C>T in individuals affected with GLI3-related conditions and no experimental evidence demonstrating its impact on protein function have been reported. No submitters have cited clinical-significance assessments for this variant to ClinVar. Based on the evidence outlined above, the variant was classified as uncertain significance.

NM_000168.6(GLI3):c.3949C>T (p.Pro1317Ser)

Gene: GLI3 (GLI family zinc finger 3; minus strand). Cytogenetic location: 7p14.1.
Variant type: single nucleotide variant.
Coding change: c.3949C>T on transcript NM_000168.6 (MANE Select); coding-DNA position 3949, C replaced by T.
Protein change: p.Pro1317Ser; replaces proline 1317 with serine.
Molecular consequence: missense variant.
Genome position (GRCh38, 1-based): chr7:41,965,124, G>A on the plus strand (C>T on the coding strand, the complement: GLI3 is on the minus strand). VCF-style: chr7-41965124-G-A. GRCh37 (hg19) VCF-style: chr7-42004722-G-A.
Other names: short protein forms P1317S.
Identifiers: ClinVar variation 3339640 (VCV003339640.1).